The following is an entry in ClinVar:

NM_000021.4(PSEN1):c.485T>G (p.Ile162Ser)

Gene: PSEN1 (presenilin 1; plus strand). Cytogenetic location: 14q24.2.
Variant type: single nucleotide variant.
Coding change: c.485T>G on transcript NM_000021.4 (MANE Select); coding-DNA position 485, T replaced by G.
Protein change: p.Ile162Ser; replaces isoleucine 162 with serine.
Molecular consequence: missense variant.
Genome position (GRCh38, 1-based): chr14:73,186,857, T>G. VCF-style: chr14-73186857-T-G. GRCh37 (hg19) VCF-style: chr14-73653565-T-G.
Other names: c.473T>G, p.Ile158Ser (NM_007318.3); short protein forms I162S, I158S.
Identifiers: ClinVar variation 863349 (VCV000863349.14), dbSNP rs1898533739, ClinGen allele CA390295890.
Genomic context (GRCh38, chr14:73,186,857, plus strand): 5'-GTACTTTTTAAGGGTTGTGGGACCTGTTAATTATATTGAAATGCTTTCTTTTCTAGGTCA[T>G]CCATGCCTGGCTTATTATATCATCTCTATTGTTGCTGTTCTTTTTTTCATTCATTTACTT-3'
Protein context (NP_000012.1, residues 152-172): VLYKYRCYKV[Ile162Ser]HAWLIISSLL

ClinVar aggregate classification (germline): Uncertain significance. Review status: criteria provided, multiple submitters, no conflicts (2 of 4 stars). 3 submissions from 3 submitters: Uncertain significance (3). Last evaluated 2024-04-02.

Conditions:
Alzheimer disease 3 (AD3). Also called: ALZHEIMER DISEASE, FAMILIAL, 3. Identifiers: Orphanet 1020, MedGen C1843013, MONDO:0011913, OMIM 607822.
Frontotemporal dementia (FTD1). Also called: FRONTOTEMPORAL DEMENTIA WITH PARKINSONISM; FRONTOTEMPORAL LOBE DEMENTIA; Dementia, frontotemporal, with or without parkinsonism; WILHELMSEN-LYNCH DISEASE; FRONTOTEMPORAL LOBAR DEGENERATION WITH TAU INCLUSIONS; FTLD WITH TAU INCLUSIONS. Identifiers: Orphanet 282, MedGen C0338451, MONDO:0017276, OMIM 600274, HP:0002145.
Pick disease. Also called: DEMENTIA WITH LOBAR ATROPHY AND NEURONAL CYTOPLASMIC INCLUSIONS; LOBAR ATROPHY OF BRAIN; Pick's disease; Pick Disease of the Brain; PICK DISEASE OF BRAIN. Identifiers: Orphanet 282, MedGen C0236642, MONDO:0008243, OMIM 172700.
Acne inversa, familial, 3 (ACNINV3). Identifiers: MedGen C3151038, MONDO:0013398, OMIM 613737.

Submissions (3):

ARUP Laboratories, Molecular Genetics and Genomics, ARUP Laboratories
Classification: Uncertain significance. Last evaluated: 2024-04-02. Review status: criteria provided, single submitter. Criteria: ARUP Molecular Germline Variant Investigation Process 2024. Collection method: clinical testing. Allele origin: germline.
Comment: The PSEN1 c.485T>G; p.Ile162Ser variant (rs1898533739) is reported in a family with three members affected with suspected Alzheimerâ€™s disease (Acosta-Uribe 2022). This variant is reported in ClinVar (Variation ID: 863349) and is absent from the Genome Aggregation Database (v2.1.1), indicating it is not a common polymorphism. Computational analyses predict that this variant is deleterious (REVEL: 0.965). Due to limited information, the clinical significance of this variant is uncertain at this time. References: Acosta-Uribe J et al. A neurodegenerative disease landscape of rare mutations in Colombia due to founder effects. Genome Med. 2022 Mar 8;14(1):27. PMID: 35260199.

Women's Health and Genetics/Laboratory Corporation of America, LabCorp
Classification: Uncertain significance. Last evaluated: 2023-06-01. Review status: criteria provided, single submitter. Criteria: LabCorp Variant Classification Summary - May 2015. Collection method: clinical testing. Allele origin: germline.
Comment: Variant summary: PSEN1 c.485T>G (p.Ile162Ser) results in a non-conservative amino acid change located in the Presenilin/signal peptide peptidase domain (IPR006639) of the encoded protein sequence. Five of five in-silico tools predict a damaging effect of the variant on protein function. The variant was absent in 251374 control chromosomes. c.485T>G has been reported in the literature in at-least two reportedly symptomatic individuals affected with features of Alzheimer Disease and authors weighting co-segregation with disease in multiple affected family members as an evidence criterion (ACMG PP1) in their final classification as definetely pathogenic (Acosta-Uribe_2022). However, the details and/or extent of co-segregation is not reported. These data indicate that the variant may be associated with disease. To our knowledge, no experimental evidence demonstrating an impact on protein function has been reported. The following publication have been ascertained in the context of this evaluation (PMID: 35260199). One clinical diagnostic laboratory has submitted clinical-significance assessments for this variant to ClinVar after 2014 and classified the variant as uncertain significance citing absence in literature. Based on the evidence outlined above, until additional clinical and functional studies are reported, the variant was classified as VUS-possibly pathogenic.

Labcorp Genetics (formerly Invitae), Labcorp
Classification: Uncertain significance for Alzheimer disease 3; Pick disease; Acne inversa, familial, 3; Frontotemporal dementia. Last evaluated: 2019-12-19. Review status: criteria provided, single submitter. Criteria: Invitae Variant Classification Sherloc (09022015). Collection method: clinical testing. Allele origin: germline.
Comment: In summary, the available evidence is currently insufficient to determine the role of this variant in disease. Therefore, it has been classified as a Variant of Uncertain Significance. Algorithms developed to predict the effect of sequence changes on RNA splicing suggest that this variant may create or strengthen a splice site, but this prediction has not been confirmed by published transcriptional studies. Algorithms developed to predict the effect of missense changes on protein structure and function (SIFT, PolyPhen-2, Align-GVGD) all suggest that this variant is likely to be disruptive, but these predictions have not been confirmed by published functional studies and their clinical significance is uncertain. This variant has not been reported in the literature in individuals with PSEN1-related conditions. This variant is not present in population databases (ExAC no frequency). This sequence change replaces isoleucine with serine at codon 162 of the PSEN1 protein (p.Ile162Ser). The isoleucine residue is highly conserved and there is a large physicochemical difference between isoleucine and serine.

Literature cited by the submitters: PubMed 35260199 (cited by Women's Health and Genetics/Laboratory Corporation of America, LabCorp).